The following is an entry in ClinVar:

ClinVar aggregate classification (germline): Uncertain significance (1 of 4 stars; one submission).

Conditions:
Marfan syndrome (MFS). Also called: MARFAN SYNDROME, TYPE I; Marfan syndrome type 1; Marfan's syndrome; Marfan syndrome, classic; FBN1-Related Marfan Syndrome. Identifiers: Orphanet 284963, Orphanet 558, MedGen C0024796, MONDO:0007947, OMIM 154700.

Submission:

MVZ Medizinische Genetik Mainz
Classification: Uncertain significance for Marfan syndrome. Last evaluated: 2025-05-05. Review status: criteria provided, single submitter. Criteria: UK Practice Guidelines For Variant Classification V4 01 2020. Collection method: clinical testing. Allele origin: germline. Inheritance: Autosomal dominant inheritance. Affected: yes. Observed: 1 variant allele.
Comment: ACMG Criteria: PM2_SUP,PP2,PP3

NM_000138.5(FBN1):c.5047G>C (p.Gly1683Arg)

Gene: FBN1 (fibrillin 1; minus strand). Cytogenetic location: 15q21.1.
Variant type: single nucleotide variant.
Coding change: c.5047G>C on transcript NM_000138.5 (MANE Select); coding-DNA position 5047, G replaced by C.
Protein change: p.Gly1683Arg; replaces glycine 1683 with arginine.
Molecular consequence: missense variant.
Genome position (GRCh38, 1-based): chr15:48,463,917, C>G on the plus strand (G>C on the coding strand, the complement: FBN1 is on the minus strand). VCF-style: chr15-48463917-C-G. GRCh37 (hg19) VCF-style: chr15-48756114-C-G.
Other names: c.5047G>C, p.Gly1683Arg (NM_001406716.1); short protein forms G1683R.
Identifiers: ClinVar variation 3900718 (VCV003900718.1).